The following is an entry in ClinVar:

NM_003647.3(DGKE):c.503T>C (p.Met168Thr)

Gene: DGKE (diacylglycerol kinase epsilon; plus strand). Cytogenetic location: 17q22.
Variant type: single nucleotide variant.
Coding change: c.503T>C on transcript NM_003647.3 (MANE Select); coding-DNA position 503, T replaced by C.
Protein change: p.Met168Thr; replaces methionine 168 with threonine.
Molecular consequence: missense variant.
Genome position (GRCh38, 1-based): chr17:56,844,057, T>C. VCF-style: chr17-56844057-T-C. GRCh37 (hg19) VCF-style: chr17-54921418-T-C.
Other names: p.Met168Thr; short protein forms M168T.
Identifiers: ClinVar variation 3380503 (VCV003380503.2).

ClinVar aggregate classification (germline): Uncertain significance. Review status: criteria provided, multiple submitters, no conflicts (2 of 4 stars). 2 submissions from 2 submitters: Uncertain significance (2). Last evaluated 2024-05-29.

Submissions (2):

Mayo Clinic Laboratories, Mayo Clinic
Classification: Uncertain significance. Last evaluated: 2024-05-29. Review status: criteria provided, single submitter. Criteria: ACMG Guidelines, 2015. Collection method: clinical testing. Allele origin: germline. Observed: 1 variant allele.
Comment: PM2

Blueprint Genetics
Classification: Uncertain significance. Last evaluated: 2021-03-12. Review status: criteria provided, single submitter. Criteria: ACMG Guidelines, 2015. Collection method: clinical testing. Allele origin: germline.